The following is an entry in ClinVar:

NM_004963.4(GUCY2C):c.2995T>G (p.Trp999Gly)

Genes: GUCY2C (guanylate cyclase 2C; minus strand), PLBD1-AS1 (PLBD1 antisense RNA 1; plus strand). Cytogenetic location: 12p12.3.
Variant type: single nucleotide variant.
Coding change: c.2995T>G on transcript NM_004963.4 (MANE Select); coding-DNA position 2995, T replaced by G.
Protein change: p.Trp999Gly; replaces tryptophan 999 with glycine.
Molecular consequence: missense variant.
Genome position (GRCh38, 1-based): chr12:14,614,919, A>C on the plus strand (T>G on the coding strand, the complement: GUCY2C is on the minus strand). VCF-style: chr12-14614919-A-C. GRCh37 (hg19) VCF-style: chr12-14767853-A-C.
Other names: short protein forms W999G.
Identifiers: ClinVar variation 4698214 (VCV004698214.1).

ClinVar aggregate classification (germline): Uncertain significance (1 of 4 stars; one submission).

Submission:

Labcorp Genetics (formerly Invitae), Labcorp
Classification: Uncertain significance. Last evaluated: 2025-04-13. Review status: criteria provided, single submitter. Criteria: Invitae Variant Classification Sherloc (09022015). Collection method: clinical testing. Allele origin: germline.
Comment: This sequence change replaces tryptophan, which is neutral and slightly polar, with glycine, which is neutral and non-polar, at codon 999 of the GUCY2C protein (p.Trp999Gly). This variant is not present in population databases (gnomAD no frequency). This variant has not been reported in the literature in individuals affected with GUCY2C-related conditions. Invitae Evidence Modeling of protein sequence and biophysical properties (such as structural, functional, and spatial information, amino acid conservation, physicochemical variation, residue mobility, and thermodynamic stability) indicates that this missense variant is expected to disrupt GUCY2C protein function with a positive predictive value of 80%. In summary, the available evidence is currently insufficient to determine the role of this variant in disease. Therefore, it has been classified as a Variant of Uncertain Significance.